The following is an entry in ClinVar:

NM_001170629.2(CHD8):c.2270A>G (p.Glu757Gly)

Gene: CHD8 (chromodomain helicase DNA binding protein 8; minus strand). Cytogenetic location: 14q11.2.
Variant type: single nucleotide variant.
Coding change: c.2270A>G on transcript NM_001170629.2 (MANE Select); coding-DNA position 2270, A replaced by G.
Protein change: p.Glu757Gly; replaces glutamic acid 757 with glycine.
Molecular consequence: missense variant.
Genome position (GRCh38, 1-based): chr14:21,409,945, T>C on the plus strand (A>G on the coding strand, the complement: CHD8 is on the minus strand). VCF-style: chr14-21409945-T-C. GRCh37 (hg19) VCF-style: chr14-21878104-T-C.
Other names: c.1433A>G, p.Glu478Gly (NM_020920.4); short protein forms E757G, E478G.
Identifiers: ClinVar variation 3644089 (VCV003644089.2).

ClinVar aggregate classification (germline): Uncertain significance (1 of 4 stars; one submission).

gnomAD v4.1: 1 of 1,613,454 alleles (0.000062%); highest among the groups gnomAD compares: South Asian, 0.0011%; no homozygotes.

Submission:

Labcorp Genetics (formerly Invitae), Labcorp
Classification: Uncertain significance. Last evaluated: 2024-03-12. Review status: criteria provided, single submitter. Criteria: Invitae Variant Classification Sherloc (09022015). Collection method: clinical testing. Allele origin: germline.
Comment: This sequence change replaces glutamic acid, which is acidic and polar, with glycine, which is neutral and non-polar, at codon 757 of the CHD8 protein (p.Glu757Gly). This variant is present in population databases (rs758081443, gnomAD 0.003%). This variant has not been reported in the literature in individuals affected with CHD8-related conditions. Advanced modeling of protein sequence and biophysical properties (such as structural, functional, and spatial information, amino acid conservation, physicochemical variation, residue mobility, and thermodynamic stability) performed at Invitae indicates that this missense variant is expected to disrupt CHD8 protein function with a positive predictive value of 80%. In summary, the available evidence is currently insufficient to determine the role of this variant in disease. Therefore, it has been classified as a Variant of Uncertain Significance.